The following is an entry in ClinVar:

ClinVar aggregate classification (germline): Uncertain significance (1 of 4 stars; one submission).

Allele frequency attached by ClinVar (database versions not stated): gnomAD exomes below 0.00001; ExAC 0.00001.
gnomAD v4.1: 1 of 1,611,028 alleles (0.000062%); highest among the groups gnomAD compares: Non-Finnish European, 0.000085%; no homozygotes.

Submission:

Labcorp Genetics (formerly Invitae), Labcorp
Classification: Uncertain significance. Last evaluated: 2021-09-06. Review status: criteria provided, single submitter. Criteria: Invitae Variant Classification Sherloc (09022015). Collection method: clinical testing. Allele origin: germline.
Comment: This sequence change replaces leucine with phenylalanine at codon 647 of the RNF31 protein (p.Leu647Phe). The leucine residue is moderately conserved and there is a small physicochemical difference between leucine and phenylalanine. This variant is present in population databases (rs769686476, ExAC 0.002%). This variant has not been reported in the literature in individuals affected with RNF31-related conditions. Algorithms developed to predict the effect of missense changes on protein structure and function (SIFT, PolyPhen-2, Align-GVGD) all suggest that this variant is likely to be tolerated. In summary, the available evidence is currently insufficient to determine the role of this variant in disease. Therefore, it has been classified as a Variant of Uncertain Significance.

NM_017999.5(RNF31):c.1939C>T (p.Leu647Phe)

Gene: RNF31 (ring finger protein 31; plus strand). Cytogenetic location: 14q12.
Variant type: single nucleotide variant.
Coding change: c.1939C>T on transcript NM_017999.5 (MANE Select); coding-DNA position 1939, C replaced by T.
Protein change: p.Leu647Phe; replaces leucine 647 with phenylalanine.
Molecular consequence: missense variant.
Genome position (GRCh38, 1-based): chr14:24,151,801, C>T. VCF-style: chr14-24151801-C-T. GRCh37 (hg19) VCF-style: chr14-24621010-C-T.
Other names: c.1486C>T, p.Leu496Phe (NM_001310332.2); short protein forms L496F, L647F.
Identifiers: ClinVar variation 1490670 (VCV001490670.6), dbSNP rs769686476, ClinGen allele CA7125943.